The following is an entry in ClinVar:

NM_005220.3(DLX3):c.*723T>G

Gene: DLX3 (distal-less homeobox 3; minus strand). Cytogenetic location: 17q21.33.
Variant type: single nucleotide variant.
Coding change: c.*723T>G on transcript NM_005220.3 (MANE Select); 723 bases downstream of the stop codon, T replaced by G.
Molecular consequence: 3 prime UTR variant.
Genome position (GRCh38, 1-based): chr17:49,990,794, A>C on the plus strand (T>G on the coding strand, the complement: DLX3 is on the minus strand). VCF-style: chr17-49990794-A-C. GRCh37 (hg19) VCF-style: chr17-48068158-A-C.
Identifiers: ClinVar variation 890604 (VCV000890604.4), dbSNP rs182361413, ClinGen allele CA291505085.

ClinVar aggregate classification (germline): Benign (1 of 4 stars; one submission).

Conditions:
Hypomaturation-hypoplastic amelogenesis imperfecta with taurodontism. Also called: Amelogenesis imperfecta, type IV. Identifiers: Orphanet 100034, Orphanet 88661, MedGen C1863012, MONDO:0007093, OMIM 104510. Disease mechanism: loss of function.

Allele frequency attached by ClinVar (database versions not stated): gnomAD 0.00014 and 0.00016; TOPMed 0.00022; 1000 Genomes Project 30x 0.00031; 1000 Genomes Project 0.00040.

Submission:

Illumina Laboratory Services, Illumina
Classification: Benign for Hypomaturation-hypoplastic amelogenesis imperfecta with taurodontism. Last evaluated: 2018-01-12. Review status: criteria provided, single submitter. Criteria: ICSL Variant Classification Criteria 13 December 2019. Collection method: clinical testing. Allele origin: germline.
Comment: This variant was observed in the ICSL laboratory as part of a predisposition screen in an ostensibly healthy population. It had not been previously curated by ICSL or reported in the Human Gene Mutation Database (HGMD: prior to June 1st, 2018), and was therefore a candidate for classification through an automated scoring system. Utilizing variant allele frequency, disease prevalence and penetrance estimates, and inheritance mode, an automated score was calculated to assess if this variant is too frequent to cause the disease. Based on the score and internal cut-off values, a variant classified as benign is not then subjected to further curation. The score for this variant resulted in a classification of benign for this disease.